The following is an entry in ClinVar:

ClinVar aggregate classification (germline): Pathogenic (1 of 4 stars; one submission).

Submission:

Medical Genetic Center, Changzhi Maternal and Child Health Care Hospital
Classification: Pathogenic. Last evaluated: 2025-12-10. Review status: criteria provided, single submitter. Criteria: ACMG/ClinGen CNV Guidelines, 2019. Collection method: clinical testing. Allele origin: unknown.
Comment: AZFb region

GRCh38/hg38 Yq11.222-11.23(chrY:17504022-24095153)x0

Genes: BPY2 (basic charge Y-linked 2; plus strand), CDY1B (chromodomain Y-linked 1B; minus strand), CDY2A (chromodomain Y-linked 2A; plus strand), CDY2B (chromodomain Y-linked 2B; minus strand), DAZ1 (deleted in azoospermia 1; minus strand) and 43 more. Cytogenetic location: Yq11.222-11.23.
Variant type: copy number loss.
Change: copy number 0 of chrY:17,504,022-24,095,153 (6.59 Mb, GRCh38 coordinates, 1-based), cytogenetic band Yq11.222-11.23.
Identifiers: ClinVar variation 4796054 (VCV004796054.1).